The following is an entry in ClinVar:

ClinVar aggregate classification (germline): Likely benign (1 of 4 stars; one submission).

Submission:

Mayo Clinic Laboratories, Mayo Clinic
Classification: Likely benign. Last evaluated: 2025-01-20. Review status: criteria provided, single submitter. Criteria: ACMG Guidelines, 2015. Collection method: clinical testing. Allele origin: germline. Observed: 1 variant allele.
Comment: BP4, BP7

NM_000492.4(CFTR):c.3003G>C (p.Val1001=)

Genes: CFTR (CF transmembrane conductance regulator; plus strand), CFTR-AS2 (CFTR antisense RNA 2; minus strand), LOC111674472 (DNase I hypersensitive sites in introns 16 and 17a of CFTR; plus strand). Cytogenetic location: 7q31.2.
Variant type: single nucleotide variant.
Coding change: c.3003G>C on transcript NM_000492.4 (MANE Select); coding-DNA position 3003, G replaced by C.
Protein change: p.Val1001=; no amino-acid change (valine 1001 retained).
Molecular consequence: synonymous variant.
Genome position (GRCh38, 1-based): chr7:117,610,533, G>C. VCF-style: chr7-117610533-G-C. GRCh37 (hg19) VCF-style: chr7-117250587-G-C.
Other names: p.Val1001=.
Identifiers: ClinVar variation 4683302 (VCV004683302.1).